The following is an entry in ClinVar:

NM_130839.5(UBE3A):c.2017dup (p.Met673fs)

Genes: SNHG14 (small nucleolar RNA host gene 14; plus strand), UBE3A (ubiquitin protein ligase E3A; minus strand). Cytogenetic location: 15q11.2.
Variant type: Duplication.
Coding change: c.2017dup on transcript NM_130839.5 (MANE Select); coding-DNA position 2017, one base duplicated (A; older notation c.2017dupA).
Protein change: p.Met673fs; shifts the reading frame from methionine 673.
Molecular consequence: frameshift variant. On other transcripts: non-coding transcript variant (1), intron variant (1).
Genome position (GRCh38, 1-based): chr15:25,355,999, T duplicated on the plus strand (A on the coding strand, the reverse complement: UBE3A is on the minus strand). VCF-style (leftmost placement, unchanged base first): chr15-25355998-A-AT. GRCh37 (hg19) VCF-style: chr15-25601145-A-AT.
Other names: c.2026dup, p.Met676fs (NM_000462.5); c.2017dup, p.Met673fs (NM_001354505.1, NM_001354538.2, NM_001354545.2); c.1957dup, p.Met653fs (NM_001354506.2, NM_001354507.2, NM_001354508.2 and 16 more transcripts); c.1840dup, p.Met614fs (NM_001354546.2); c.766dup, p.Met256fs (NM_001354550.2); c.706dup, p.Met236fs (NM_001354551.2); c.1899+692dup (NM_001354549.2); short protein forms M673fs, M676fs, M614fs, M236fs, M256fs, M653fs.
Identifiers: ClinVar variation 155963 (VCV000155963.1), dbSNP rs587781212, ClinGen allele CA333332.
Genomic context (GRCh38, chr15:25,355,998, plus strand): 5'-AGATCATACATCATTGGGTTACCAAAAAGATCTGTCTGTGATATCTGGAAAGTGATCATC[A>AT]TGTCATCTTCCACATTCCCTTCATACTCCAATAAATCTTTTAAACTCTGATATAGAACCT-3'

ClinVar aggregate classification (germline): Pathogenic (0 of 4 stars; one submission).

Conditions:
Angelman syndrome (AS). Also called: HAPPY PUPPET SYNDROME. Identifiers: Orphanet 72, MedGen C0162635, MONDO:0007113, OMIM 105830. Disease mechanism: loss of function. Inheritance: AS is caused by disruption of maternally imprinted UBE3A located within the 15q11.2-q13 Angelman syndrome/Prader-Willi syndrome (AS/PWS) region., imprinting disorder.

Submission:

Baylor Genetics
Classification: Pathogenic for Angelman Syndrome. Last evaluated: 2014-02-14. Review status: no assertion criteria provided. Collection method: clinical testing. Allele origin: germline. Affected: yes. Observed: 1 variant allele. Study: UBE3A Mutation Study.
Comment: Data collected from clinical UBE3A sequence analysis results

Literature cited by the submitters: PubMed 25212744.